The following is an entry in ClinVar:

NM_172250.3(MMAA):c.*3621G>A

Gene: MMAA (metabolism of cobalamin associated A; plus strand). Cytogenetic location: 4q31.21.
Variant type: single nucleotide variant.
Coding change: c.*3621G>A on transcript NM_172250.3 (MANE Select); 3621 bases downstream of the stop codon, G replaced by A.
Molecular consequence: 3 prime UTR variant.
Genome position (GRCh38, 1-based): chr4:145,659,055, G>A. VCF-style: chr4-145659055-G-A. GRCh37 (hg19) VCF-style: chr4-146580207-G-A.
Identifiers: ClinVar variation 347665 (VCV000347665.6), dbSNP rs55770806, ClinGen allele CA10617145.

ClinVar aggregate classification (germline): Benign. Review status: criteria provided, multiple submitters, no conflicts (2 of 4 stars). 2 submissions from 2 submitters: Benign (2). Last evaluated 2018-01-12.

Conditions:
Methylmalonic aciduria, cblA type (MACA). Also called: Methylmalonic aciduria, vitamin b12-responsive, due to defect in synthesis of adenosylcobalamin, cbla complementation type; MMA cbl A type; Methylmalonic acidemia cblA type; Methylmalonic aciduria, vitamin B12-responsive; Vitamin B12-responsive methylmalonic acidemia type cblA. Identifiers: Orphanet 28, Orphanet 79310, MedGen C1855109, MONDO:0009613, OMIM 251100.

Allele frequency attached by ClinVar (database versions not stated): gnomAD 0.07335 and 0.07627; TOPMed 0.07473; 1000 Genomes Project 0.10723; 1000 Genomes Project 30x 0.10743.

Submissions (2):

Illumina Laboratory Services, Illumina
Classification: Benign for Methylmalonic aciduria, cblA type. Last evaluated: 2018-01-12. Review status: criteria provided, single submitter. Criteria: ICSL Variant Classification Criteria 13 December 2019. Collection method: clinical testing. Allele origin: germline.
Comment: This variant was observed in the ICSL laboratory as part of a predisposition screen in an ostensibly healthy population. It had not been previously curated by ICSL or reported in the Human Gene Mutation Database (HGMD: prior to June 1st, 2018), and was therefore a candidate for classification through an automated scoring system. Utilizing variant allele frequency, disease prevalence and penetrance estimates, and inheritance mode, an automated score was calculated to assess if this variant is too frequent to cause the disease. Based on the score and internal cut-off values, a variant classified as benign is not then subjected to further curation. The score for this variant resulted in a classification of benign for this disease.

Breakthrough Genomics
Classification: Benign. Review status: criteria provided, single submitter. Criteria: ACMG Guidelines, 2015. Collection method: not provided. Allele origin: germline. Inheritance: Autosomal recessive inheritance. Affected: yes.